The following is an entry in ClinVar:

NM_000051.4(ATM):c.7734C>T (p.Ala2578=)

Genes: ATM (ATM serine/threonine kinase; plus strand), C11orf65 (chromosome 11 open reading frame 65; minus strand). Cytogenetic location: 11q22.3.
Variant type: single nucleotide variant.
Coding change: c.7734C>T on transcript NM_000051.4 (MANE Select); coding-DNA position 7734, C replaced by T.
Protein change: p.Ala2578=; no amino-acid change (alanine 2578 retained).
Molecular consequence: synonymous variant. On other transcripts: intron variant (2).
Genome position (GRCh38, 1-based): chr11:108,331,983, C>T. VCF-style: chr11-108331983-C-T. GRCh37 (hg19) VCF-style: chr11-108202710-C-T.
Other names: c.7734C>T, p.Ala2578= (NM_001351834.2); c.641-22912G>A (NM_001330368.2); c.*38+3237G>A (NM_001351110.2).
Identifiers: ClinVar variation 1106724 (VCV001106724.14), dbSNP rs753442840, ClinGen allele CA6266171.
Genomic context (GRCh38, chr11:108,331,983, plus strand): 5'-TATTATACTGGCCTTAGCAAATGCAAACAGAGATGAATTTCTGACTAAACCAGAGGTAGC[C>T]AGAAGAAGCAGAATAACTAAAAATGTGCCTAAACAAAGCTCTCAGCTTGATGAGGTATTT-3'
Protein context (NP_000042.3, residues 2568-2588): RDEFLTKPEV[Ala2578=]RRSRITKNVP

ClinVar aggregate classification (germline): Benign/Likely benign. Review status: criteria provided, multiple submitters, no conflicts (2 of 4 stars). 4 submissions from 4 submitters: Benign (1); Likely benign (2). 1 of the submissions does not count toward it. Last evaluated 2024-06-17.

Conditions:
Familial cancer of breast. Also called: Hereditary breast cancer; hereditary breast carcinoma; BREAST CANCER, FAMILIAL. Identifiers: Orphanet 227535, MedGen C0346153, MONDO:0016419, OMIM 114480. Disease mechanism: loss of function.
Hereditary cancer-predisposing syndrome. Also called: Neoplastic Syndromes, Hereditary; Tumor predisposition; Hereditary Cancer Syndrome; Hereditary neoplastic syndrome. Identifiers: Orphanet 140162, MedGen C0027672, MeSH D009386, MONDO:0015356.
ATM-related disorder. Also called: ATM-related disorders; ATM-related condition.
Ataxia-telangiectasia syndrome (AT). Also called: Ataxia telangiectasia (A-T); ATAXIA-TELANGIECTASIA, COMPLEMENTATION GROUP A; ATAXIA-TELANGIECTASIA, FRESNO VARIANT; Ataxia-telangiectasia; Ataxia-telangiectasia, complementation group E; LOUIS-BAR SYNDROME. Identifiers: Orphanet 100, MedGen C0004135, MONDO:0008840, OMIM 208900.

Allele frequency attached by ClinVar (database versions not stated): gnomAD exomes below 0.00001; TOPMed below 0.00001; ExAC 0.00001.

Submissions (4):

Myriad Genetics, Inc.
Classification: Benign for Familial cancer of breast. Last evaluated: 2024-06-17. Review status: criteria provided, single submitter. Criteria: Myriad Autosomal Dominant, Autosomal Recessive and X-Linked Classification Criteria (2023). Collection method: clinical testing. Allele origin: unknown.
Comment: This variant is considered benign. This variant is a silent/synonymous amino acid change and it is not expected to impact splicing.

Labcorp Genetics (formerly Invitae), Labcorp
Classification: Likely benign for Ataxia-telangiectasia syndrome. Last evaluated: 2023-06-27. Review status: criteria provided, single submitter. Criteria: Invitae Variant Classification Sherloc (09022015). Collection method: clinical testing. Allele origin: germline.

Ambry Genetics
Classification: Likely benign for Hereditary cancer-predisposing syndrome. Last evaluated: 2017-05-15. Review status: criteria provided, single submitter. Criteria: Ambry Variant Classification Scheme 2023. Collection method: clinical testing. Allele origin: germline.

PreventionGenetics, part of Exact Sciences
Classification: Likely benign for ATM-related condition. Last evaluated: 2022-12-27. Review status: no assertion criteria provided. Collection method: clinical testing. Allele origin: germline. Not counted in ClinVar's aggregate classification.
Comment: This variant is classified as likely benign based on ACMG/AMP sequence variant interpretation guidelines (Richards et al. 2015 PMID: 25741868, with internal and published modifications).